The following is an entry in ClinVar:

ClinVar aggregate classification (germline): Conflicting classifications of pathogenicity. Review status: criteria provided, conflicting classifications (1 of 4 stars). 11 submissions from 11 submitters: Uncertain significance (2); Likely benign (5). 4 of the submissions do not count toward it. Last evaluated 2026-08-01.

Conditions:
DBT-related disorder. Also called: DBT-related condition.
Maple syrup urine disease (MSUD). Identifiers: Orphanet 511, MedGen C0024776, MeSH D008375, MONDO:0009563. Disease mechanism: loss of function.

Allele frequency attached by ClinVar (database versions not stated): gnomAD 0.00078 and 0.00076; ExAC 0.00087; gnomAD exomes 0.00087 and 0.00108; ESP Exome Variant Server 0.00123; TOPMed 0.00063.
gnomAD v4.1: 1,659 of 1,604,616 alleles (0.1%); highest among the groups gnomAD compares: South Asian, 0.19%; 3 homozygotes.

Submissions (11):

CeGaT Center for Human Genetics Tuebingen
Classification: Likely benign. Last evaluated: 2026-08-01. Review status: criteria provided, single submitter. Criteria: CeGaT Center For Human Genetics Tuebingen Variant Classification Criteria Version 2. Collection method: clinical testing. Allele origin: germline. Affected: yes. Observed: 2 variant alleles.
Comment: DBT: BP4, BP7

Labcorp Genetics (formerly Invitae), Labcorp
Classification: Likely benign for Maple syrup urine disease. Last evaluated: 2026-01-12. Review status: criteria provided, single submitter. Criteria: Invitae Variant Classification Sherloc (09022015). Collection method: clinical testing. Allele origin: germline.

Blueprint Genetics
Classification: Likely benign. Last evaluated: 2024-10-23. Review status: criteria provided, single submitter. Criteria: ACMG Guidelines, 2015. Collection method: clinical testing. Allele origin: germline.

GeneDx
Classification: Likely benign. Last evaluated: 2018-05-24. Review status: criteria provided, single submitter. Criteria: GeneDx Variant Classification Process June 2021. Collection method: clinical testing. Allele origin: germline. Affected: yes.

ARUP Laboratories, Molecular Genetics and Genomics, ARUP Laboratories
Classification: Likely benign. Last evaluated: 2018-04-20. Review status: criteria provided, single submitter. Criteria: ARUP Molecular Germline Variant Investigation Process. Collection method: clinical testing. Allele origin: germline.
Comment: The c.327C>T; p.Thr109Thr variant (rs138796800, ClinVar variant ID 210824) does not alter the amino acid sequence of the DBT protein and computational splice site prediction algorithms do not predict a change in the nearest splice site or creation of a cryptic splice site. This variant has not been reported in association with mitochondrial disease in medical literature or in gene specific variation databases. This variant is listed in the genome Aggregation Database (gnomAD) with a South Asian population frequency of 0.2% (identified on 56 out of 30,774 chromosomes, including one homozygote). Based on the available information, the c.327C>T variant is likely to be benign.

Illumina Laboratory Services, Illumina
Classification: Uncertain significance for Maple syrup urine disease type 1A. Last evaluated: 2018-01-13. Review status: criteria provided, single submitter. Criteria: ICSL Variant Classification Criteria 13 December 2019. Collection method: clinical testing. Allele origin: germline.

Genetic Services Laboratory, University of Chicago
Classification: Uncertain significance. Last evaluated: 2014-06-27. Review status: criteria provided, single submitter. Criteria: ACMG Guidelines, 2015. Collection method: clinical testing. Allele origin: germline.

PreventionGenetics, part of Exact Sciences
Classification: Likely benign for DBT-related condition. Last evaluated: 2019-10-28. Review status: no assertion criteria provided. Collection method: clinical testing. Allele origin: germline. Not counted in ClinVar's aggregate classification.
Comment: This variant is classified as likely benign based on ACMG/AMP sequence variant interpretation guidelines (Richards et al. 2015 PMID: 25741868, with internal and published modifications).

Clinical Genetics DNA and cytogenetics Diagnostics Lab, Erasmus MC, Erasmus Medical Center
Classification: Likely benign. Review status: no assertion criteria provided. Collection method: clinical testing. Allele origin: germline. Affected: yes. Study: VKGL Data-share Consensus. Not counted in ClinVar's aggregate classification.

Clinical Genetics, Academic Medical Center
Classification: Benign. Review status: no assertion criteria provided. Collection method: clinical testing. Allele origin: germline. Affected: yes. Study: VKGL Data-share Consensus. Not counted in ClinVar's aggregate classification.

Genome Diagnostics Laboratory, University Medical Center Utrecht
Classification: Likely benign. Review status: no assertion criteria provided. Collection method: clinical testing. Allele origin: germline. Affected: yes. Study: VKGL Data-share Consensus. Not counted in ClinVar's aggregate classification.

NM_001918.5(DBT):c.327C>T (p.Thr109=)

Gene: DBT (dihydrolipoamide branched chain transacylase E2; minus strand). Cytogenetic location: 1p21.2.
Variant type: single nucleotide variant.
Coding change: c.327C>T on transcript NM_001918.5 (MANE Select); coding-DNA position 327, C replaced by T.
Protein change: p.Thr109=; no amino-acid change (threonine 109 retained).
Molecular consequence: synonymous variant.
Genome position (GRCh38, 1-based): chr1:100,230,839, G>A on the plus strand (C>T on the coding strand, the complement: DBT is on the minus strand). VCF-style: chr1-100230839-G-A. GRCh37 (hg19) VCF-style: chr1-100696395-G-A.
Identifiers: ClinVar variation 210824 (VCV000210824.61), dbSNP rs138796800, ClinGen allele CA205366.